The following is an entry in ClinVar:

NM_000454.5(SOD1):c.420C>A (p.Asn140Lys)

Gene: SOD1 (superoxide dismutase 1; plus strand). Cytogenetic location: 21q22.11.
Variant type: single nucleotide variant.
Coding change: c.420C>A on transcript NM_000454.5 (MANE Select); coding-DNA position 420, C replaced by A.
Protein change: p.Asn140Lys; replaces asparagine 140 with lysine.
Molecular consequence: missense variant.
Genome position (GRCh38, 1-based): chr21:31,668,533, C>A. VCF-style: chr21-31668533-C-A. GRCh37 (hg19) VCF-style: chr21-33040846-C-A.
Other names: short protein forms N140K.
Identifiers: ClinVar variation 586635 (VCV000586635.7), dbSNP rs1804449, ClinGen allele CA410037766.

ClinVar aggregate classification (germline): Pathogenic. Review status: criteria provided, multiple submitters, no conflicts (2 of 4 stars). 3 submissions from 3 submitters: Pathogenic (3). Last evaluated 2025-12-29.

Conditions:
SOD1-related disorder. Also called: SOD1-related condition.
Amyotrophic lateral sclerosis type 1 (ALS1). Also called: AMYOTROPHIC LATERAL SCLEROSIS 1, FAMILIAL. Identifiers: Orphanet 803, MedGen C1862939, MONDO:0007103, OMIM 105400.

gnomAD v4.1: 1 of 1,613,904 alleles (0.000062%); highest among the groups gnomAD compares: African/African-American, 0.0013%; no homozygotes.

Submissions (3):

PreventionGenetics, part of Exact Sciences
Classification: Pathogenic for SOD1-related condition. Last evaluated: 2025-12-29. Review status: criteria provided, single submitter. Criteria: ACMG Guidelines, 2015. Collection method: clinical testing. Allele origin: germline.
Comment: The SOD1 c.420C>A variant is predicted to result in the amino acid substitution p.Asn140Lys. This variant, also reported as p.Asn139Lys using legacy nomenclature, has been reported in multiple unrelated individuals with amyotrophic lateral sclerosis (ALS, Pramatarova et al. 1995. PubMed ID: 7887412; Andersen et al. 2003. PubMed ID: 14506936; Brown et al. 2012. PubMed ID: 22292843; Miller et al. 2013. PubMed ID: 23541756; Table S10, Gratten et al. 2017. PubMed ID: 29149916). Measured enzyme activity from a patient's lymphoblasts showed a decrease of ~46 percent (Pramatarova et al. 1995. PubMed ID: 7887412), and an in vitro study suggests this variant has a moderately increased propensity to aggregate compared to control (Prudencio et al. 2009. PubMed ID: 19483195). This variant has not been reported in a large population database (gnomAD); however, the quality of this data is questionable and should be interpreted with caution. Alternate missense changes impacting the same amino acid as well as a different nucleotide change that results in the same missense change (c.420C>G) have also been reported in individuals with ALS (p.Asn140His in Nogales-Gadea et al. 2004. PubMed ID: 15050430; p.Asn140Asp in Berdyński et al. 2022. PubMed ID: 34996976; c.420C>G reported as de novo in Bai et al. 2021. PubMed ID: 34839512). Given the evidence the c.420C>A (p.Asn140Lys) variant is interpreted as pathogenic.

Labcorp Genetics (formerly Invitae), Labcorp
Classification: Pathogenic for Amyotrophic lateral sclerosis type 1. Last evaluated: 2025-07-26. Review status: criteria provided, single submitter. Criteria: Invitae Variant Classification Sherloc (09022015). Collection method: clinical testing. Allele origin: germline.
Comment: This sequence change replaces asparagine, which is neutral and polar, with lysine, which is basic and polar, at codon 140 of the SOD1 protein (p.Asn140Lys). The frequency data for this variant in the population databases is considered unreliable, as metrics indicate poor data quality at this position in the gnomAD database. This missense change has been observed in individuals with clinical features of autosomal dominant amyotrophic lateral sclerosis (PMID: 7887412, 14506936, 22292843, 23541756, 29149916, 34839512; internal data). This variant is also known as p.Asn139Lys. ClinVar contains an entry for this variant (Variation ID: 586635). Invitae Evidence Modeling of protein sequence and biophysical properties (such as structural, functional, and spatial information, amino acid conservation, physicochemical variation, residue mobility, and thermodynamic stability) indicates that this missense variant is expected to disrupt SOD1 protein function with a positive predictive value of 95%. Experimental studies have shown that this missense change affects SOD1 function (PMID: 17255946, 19483195, 20399791, 23280792). For these reasons, this variant has been classified as Pathogenic.

Athena Diagnostics
Classification: Pathogenic. Last evaluated: 2017-12-30. Review status: criteria provided, single submitter. Criteria: Athena Diagnostics Criteria. Collection method: clinical testing. Allele origin: germline.

Literature cited by the submitters: PubMed 7887412 (cited by Labcorp Genetics (formerly Invitae), Labcorp and Athena Diagnostics); PubMed 14506936 (cited by Labcorp Genetics (formerly Invitae), Labcorp and Athena Diagnostics); PubMed 22292843 (cited by Labcorp Genetics (formerly Invitae), Labcorp and Athena Diagnostics); PubMed 23541756 (cited by Labcorp Genetics (formerly Invitae), Labcorp and Athena Diagnostics); PubMed 29149916 (cited by Labcorp Genetics (formerly Invitae), Labcorp); PubMed 34839512 (cited by Labcorp Genetics (formerly Invitae), Labcorp); PubMed 17255946 (cited by Labcorp Genetics (formerly Invitae), Labcorp and Athena Diagnostics); PubMed 19483195 (cited by Labcorp Genetics (formerly Invitae), Labcorp and Athena Diagnostics); PubMed 20399791 (cited by Labcorp Genetics (formerly Invitae), Labcorp and Athena Diagnostics); PubMed 23280792 (cited by Labcorp Genetics (formerly Invitae), Labcorp); PubMed 11304046 (cited by Athena Diagnostics); PubMed 26733601 (cited by Athena Diagnostics); PubMed 16020530 (cited by Athena Diagnostics); PubMed 20189984 (cited by Athena Diagnostics).